The following is an entry in ClinVar:

ClinVar aggregate classification (germline): Benign/Likely benign. Review status: criteria provided, multiple submitters, no conflicts (2 of 4 stars). 2 submissions from 2 submitters: Benign (1); Likely benign (1). Last evaluated 2024-06-13.

Allele frequency attached by ClinVar (database versions not stated): gnomAD exomes below 0.00001.

Submissions (2):

Blueprint Genetics
Classification: Benign. Last evaluated: 2024-06-13. Review status: criteria provided, single submitter. Criteria: ACMG Guidelines, 2015. Collection method: clinical testing. Allele origin: germline.

CeGaT Center for Human Genetics Tuebingen
Classification: Likely benign. Last evaluated: 2022-10-01. Review status: criteria provided, single submitter. Criteria: CeGaT Center For Human Genetics Tuebingen Variant Classification Criteria Version 2. Collection method: clinical testing. Allele origin: germline. Affected: yes. Observed: 1 variant allele.
Comment: CACNA1G: BP4, BP7

NM_018896.5(CACNA1G):c.6975C>T (p.Pro2325=)

Gene: CACNA1G (calcium voltage-gated channel subunit alpha1 G; plus strand). Cytogenetic location: 17q21.33.
Variant type: single nucleotide variant.
Coding change: c.6975C>T on transcript NM_018896.5 (MANE Select); coding-DNA position 6975, C replaced by T.
Protein change: p.Pro2325=; no amino-acid change (proline 2325 retained).
Molecular consequence: synonymous variant. On other transcripts: non-coding transcript variant (5).
Genome position (GRCh38, 1-based): chr17:50,626,592, C>T. VCF-style: chr17-50626592-C-T. GRCh37 (hg19) VCF-style: chr17-48703953-C-T.
Other names: c.6786C>T, p.Pro2262= (NM_001256324.2); c.6717C>T, p.Pro2239= (NM_001256325.2); c.6705C>T, p.Pro2235= (NM_001256326.2); c.6675C>T, p.Pro2225= (NM_001256327.2); c.6621C>T, p.Pro2207= (NM_001256328.2); c.6594C>T, p.Pro2198= (NM_001256329.2, NM_198387.3); c.6561C>T, p.Pro2187= (NM_001256330.2); c.6540C>T, p.Pro2180= (NM_001256331.2); and 18 more.
Identifiers: ClinVar variation 2647936 (VCV002647936.25), dbSNP rs1204017256, ClinGen allele CA501000413.